The following is an entry in ClinVar:

NM_014159.7(SETD2):c.4792C>T (p.Arg1598Ter)

Gene: SETD2 (SET domain containing 2, histone lysine methyltransferase; minus strand). Cytogenetic location: 3p21.31.
Variant type: single nucleotide variant.
Coding change: c.4792C>T on transcript NM_014159.7 (MANE Select); coding-DNA position 4792, C replaced by T.
Protein change: p.Arg1598Ter; replaces arginine 1598 with a stop codon.
Molecular consequence: nonsense. On other transcripts: non-coding transcript variant (1).
Genome position (GRCh38, 1-based): chr3:47,106,044, G>A on the plus strand (C>T on the coding strand, the complement: SETD2 is on the minus strand). VCF-style: chr3-47106044-G-A. GRCh37 (hg19) VCF-style: chr3-47147534-G-A.
Other names: c.4792C>T (NM_014159.6); c.4660C>T, p.Arg1554Ter (NM_001349370.3); short protein forms R1598*, R1554*.
Identifiers: ClinVar variation 1451327 (VCV001451327.11), dbSNP rs2107696360, ClinGen allele CA352514806.
Genomic context (GRCh38, chr3:47,106,044, plus strand): 5'-CCAAGCTGCTTACCTCATCATTCTTCAGGGCCATGAAATAGTAATGGATGTTTTTGTTTC[G>A]TGCATACTCCTTCACTCGAGCTTTAAACTCTTTATGATCGAGTACCTCTCCACAATATTC-3'

ClinVar aggregate classification (germline): Pathogenic/Likely pathogenic. Review status: criteria provided, multiple submitters, no conflicts (2 of 4 stars). 3 submissions from 3 submitters: Pathogenic (2); Likely pathogenic (1). Last evaluated 2025-02-13.
ClinVar aggregate classification (oncogenicity): Likely oncogenic (1 of 4 stars; one submission).

Conditions:
Luscan-Lumish syndrome. Identifiers: Orphanet 597738, MedGen C4085873, MONDO:0014791, OMIM 616831.
SETD2-related disorder.
Neoplasm. Also called: tumor; Neoplasms; Neoplasm (disease). Identifiers: MedGen C0027651, MeSH D009369, MONDO:0005070, HP:0002664.

Submissions (4):

Center for Genomic Medicine, Rigshospitalet, Copenhagen University Hospital
Classification: Likely oncogenic for Neoplasm. Last evaluated: 2025-12-29. Review status: criteria provided, single submitter. Criteria: ClinGen/CGC/VICC Guidelines for Oncogenicity, 2022. Collection method: clinical testing. Allele origin: somatic. Affected: yes.

GeneDx
Classification: Pathogenic. Last evaluated: 2025-02-13. Review status: criteria provided, single submitter. Criteria: GeneDx Variant Classification Process June 2021. Collection method: clinical testing. Allele origin: germline. Affected: yes.
Comment: Nonsense variant predicted to result in protein truncation or nonsense mediated decay in a gene for which loss of function is a known mechanism of disease; Not observed at significant frequency in large population cohorts (gnomAD); This variant is associated with the following publications: (PMID: 37025455, 36475376)

Blueprint Genetics
Classification: Likely pathogenic for SETD2-related disorders. Last evaluated: 2022-03-10. Review status: criteria provided, single submitter. Criteria: ACMG Guidelines, 2015. Collection method: clinical testing. Allele origin: de novo. Affected: yes. Observed: 1 variant allele.

Labcorp Genetics (formerly Invitae), Labcorp
Classification: Pathogenic for Luscan-Lumish syndrome. Last evaluated: 2021-05-06. Review status: criteria provided, single submitter. Criteria: Invitae Variant Classification Sherloc (09022015). Collection method: clinical testing. Allele origin: germline.
Comment: This variant has not been reported in the literature in individuals with SETD2-related conditions. This variant is not present in population databases (ExAC no frequency). This sequence change creates a premature translational stop signal (p.Arg1598*) in the SETD2 gene. It is expected to result in an absent or disrupted protein product. Loss-of-function variants in SETD2 are known to be pathogenic (PMID: 24852293, 26084711). For these reasons, this variant has been classified as Pathogenic.

Literature cited by the submitters: PubMed 32674319 (cited by Center for Genomic Medicine, Rigshospitalet, Copenhagen University Hospital); PubMed 24852293 (cited by Labcorp Genetics (formerly Invitae), Labcorp); PubMed 26084711 (cited by Labcorp Genetics (formerly Invitae), Labcorp).